The following is an entry in ClinVar:

ClinVar aggregate classification (germline): Pathogenic/Likely pathogenic. Review status: criteria provided, multiple submitters, no conflicts (2 of 4 stars). 3 submissions from 3 submitters: Pathogenic (2); Likely pathogenic (1). Last evaluated 2024-10-01.

Conditions:
CNGB1-related disorder. Also called: CNGB1-related condition.
Retinitis pigmentosa (RP). Identifiers: Orphanet 791, MedGen C0035334, MeSH D012174, MONDO:0019200, OMIM 268000. Inheritance: Autosomal dominant, autosomal recessive and X linked inheritance.

Submissions (3):

Lab De Baere, Eye and Developmental Genetics Lab, Ghent University
Classification: Pathogenic for Retinitis pigmentosa. Last evaluated: 2024-10-01. Review status: criteria provided, single submitter. Criteria: ACMG Guidelines, 2015. Collection method: research. Allele origin: inherited. Affected: yes. Observed: 1 variant allele.
Comment: ACMG/AMP guidelines: PM2, PVS1, PM3_PP

Labcorp Genetics (formerly Invitae), Labcorp
Classification: Pathogenic. Last evaluated: 2019-09-03. Review status: criteria provided, single submitter. Criteria: Invitae Variant Classification Sherloc (09022015). Collection method: clinical testing. Allele origin: germline.
Comment: For these reasons, this variant has been classified as Pathogenic. Loss-of-function variants in CNGB1 are known to be pathogenic (PMID: 15557452, 24043777). This variant has not been reported in the literature in individuals with CNGB1-related conditions. This variant is not present in population databases (ExAC no frequency). This sequence change creates a premature translational stop signal (p.Cys477*) in the CNGB1 gene. It is expected to result in an absent or disrupted protein product.

Blueprint Genetics
Classification: Likely pathogenic for CNGB1-related disorders. Last evaluated: 2017-12-04. Review status: criteria provided, single submitter. Criteria: ACMG Guidelines, 2015. Collection method: clinical testing. Allele origin: germline. Affected: yes. Observed: 1 variant allele.

Literature cited by the submitters: PubMed 15557452 (cited by Labcorp Genetics (formerly Invitae), Labcorp); PubMed 24043777 (cited by Labcorp Genetics (formerly Invitae), Labcorp).

NM_001297.5(CNGB1):c.1431C>A (p.Cys477Ter)

Gene: CNGB1 (cyclic nucleotide gated channel subunit beta 1; minus strand). Cytogenetic location: 16q21.
Variant type: single nucleotide variant.
Coding change: c.1431C>A on transcript NM_001297.5 (MANE Select); coding-DNA position 1431, C replaced by A.
Protein change: p.Cys477Ter; replaces cysteine 477 with a stop codon.
Molecular consequence: nonsense.
Genome position (GRCh38, 1-based): chr16:57,931,820, G>T on the plus strand (C>A on the coding strand, the complement: CNGB1 is on the minus strand). VCF-style: chr16-57931820-G-T. GRCh37 (hg19) VCF-style: chr16-57965724-G-T.
Other names: c.1413C>A, p.Cys471Ter (NM_001286130.2); short protein forms C471*, C477*.
Identifiers: ClinVar variation 866047 (VCV000866047.11), dbSNP rs1468272829, ClinGen allele CA396070841.